The following is an entry in ClinVar:

NM_138694.4(PKHD1):c.10583A>G (p.Asn3528Ser)

Gene: PKHD1 (PKHD1 ciliary IPT domain containing fibrocystin/polyductin; minus strand). Cytogenetic location: 6p12.3.
Variant type: single nucleotide variant.
Coding change: c.10583A>G on transcript NM_138694.4 (MANE Select); coding-DNA position 10583, A replaced by G.
Protein change: p.Asn3528Ser; replaces asparagine 3528 with serine.
Molecular consequence: missense variant.
Genome position (GRCh38, 1-based): chr6:51,659,543, T>C on the plus strand (A>G on the coding strand, the complement: PKHD1 is on the minus strand). VCF-style: chr6-51659543-T-C. GRCh37 (hg19) VCF-style: chr6-51524341-T-C.
Other names: short protein forms N3528S.
Identifiers: ClinVar variation 357412 (VCV000357412.9), dbSNP rs886061612, ClinGen allele CA10627244.

ClinVar aggregate classification (germline): Uncertain significance. Review status: criteria provided, multiple submitters, no conflicts (2 of 4 stars). 4 submissions from 4 submitters: Uncertain significance (4). Last evaluated 2025-08-24.

Conditions:
Inborn genetic diseases. Identifiers: MedGen C0950123, MeSH D030342.
Polycystic kidney disease 4 (PKD4). Also called: POLYCYSTIC KIDNEY AND HEPATIC DISEASE 1; POLYCYSTIC KIDNEY DISEASE, INFANTILE, TYPE I; POLYCYSTIC KIDNEY DISEASE 4 WITH OR WITHOUT POLYCYSTIC LIVER DISEASE; Autosomal Recessive Polycystic Kidney Disease – PKHD1; PKD3. Identifiers: MedGen C4540575, MONDO:0033004, OMIM 263200.
Autosomal recessive polycystic kidney disease (ARPKD). Also called: AR polycystic kidney disease. Identifiers: Orphanet 731, Orphanet 8378, MedGen C0085548, MeSH D017044, MONDO:0009889.

Allele frequency attached by ClinVar (database versions not stated): gnomAD exomes below 0.00001; gnomAD 0.00001; TOPMed 0.00001.
gnomAD v4.1: 7 of 1,613,484 alleles (0.00043%); highest among the groups gnomAD compares: African/African-American, 0.0027%; no homozygotes.

Submissions (4):

Ambry Genetics
Classification: Uncertain significance for Inborn genetic diseases. Last evaluated: 2025-08-24. Review status: criteria provided, single submitter. Criteria: Ambry Variant Classification Scheme 2023. Collection method: clinical testing. Allele origin: germline.

Fulgent Genetics
Classification: Uncertain significance for Polycystic kidney disease 4. Last evaluated: 2022-05-17. Review status: criteria provided, single submitter. Criteria: ACMG Guidelines, 2015. Collection method: clinical testing. Allele origin: unknown.

Labcorp Genetics (formerly Invitae), Labcorp
Classification: Uncertain significance for Autosomal recessive polycystic kidney disease. Last evaluated: 2021-08-31. Review status: criteria provided, single submitter. Criteria: Invitae Variant Classification Sherloc (09022015). Collection method: clinical testing. Allele origin: germline.
Comment: This sequence change replaces asparagine with serine at codon 3528 of the PKHD1 protein (p.Asn3528Ser). The asparagine residue is weakly conserved and there is a small physicochemical difference between asparagine and serine. This variant is not present in population databases (ExAC no frequency). This variant has not been reported in the literature in individuals affected with PKHD1-related conditions. ClinVar contains an entry for this variant (Variation ID: 357412). Algorithms developed to predict the effect of missense changes on protein structure and function output the following: SIFT: "Tolerated"; PolyPhen-2: "Benign"; Align-GVGD: "Class C0". The serine amino acid residue is found in multiple mammalian species, which suggests that this missense change does not adversely affect protein function. In summary, the available evidence is currently insufficient to determine the role of this variant in disease. Therefore, it has been classified as a Variant of Uncertain Significance.

Illumina Laboratory Services, Illumina
Classification: Uncertain significance for Polycystic kidney disease 4. Last evaluated: 2018-01-13. Review status: criteria provided, single submitter. Criteria: ICSL Variant Classification Criteria 13 December 2019. Collection method: clinical testing. Allele origin: germline.